The following is an entry in ClinVar:

NM_133459.4(CCBE1):c.601A>G (p.Thr201Ala)

Gene: CCBE1 (collagen and calcium binding EGF domains 1; minus strand). Cytogenetic location: 18q21.32.
Variant type: single nucleotide variant.
Coding change: c.601A>G on transcript NM_133459.4 (MANE Select); coding-DNA position 601, A replaced by G.
Protein change: p.Thr201Ala; replaces threonine 201 with alanine.
Molecular consequence: missense variant.
Genome position (GRCh38, 1-based): chr18:59,454,904, T>C on the plus strand (A>G on the coding strand, the complement: CCBE1 is on the minus strand). VCF-style: chr18-59454904-T-C. GRCh37 (hg19) VCF-style: chr18-57122136-T-C.
Other names: short protein forms T201A.
Identifiers: ClinVar variation 3352290 (VCV003352290.2).
Genomic context (GRCh38, chr18:59,454,904, plus strand): 5'-CACGTACCTTTTGCTTCAGCTGCAGCACGGTCTGCTTCATCTGGTAGAACTCCTTGCATG[T>C]GGCACAGCAAGTTCCGGCTTTCACCATGTTCTCAGACTTCTCATGGCCTGAGAAAGGAGA-3'
Protein context (NP_597716.1, residues 191-211): NMVKAGTCCA[Thr201Ala]CKEFYQMKQT

ClinVar aggregate classification (germline): Uncertain significance. Review status: criteria provided, single submitter (1 of 4 stars). 2 submissions from 2 submitters: Uncertain significance (1). 1 of the submissions does not count toward it. Last evaluated 2025-08-23.

Conditions:
CCBE1-related disorder. Also called: CCBE1-related condition.
Inborn genetic diseases. Identifiers: MedGen C0950123, MeSH D030342.

gnomAD v4.1: 17 of 1,614,086 alleles (0.0011%); highest among the groups gnomAD compares: Admixed American, 0.01%; no homozygotes.

Submissions (2):

Ambry Genetics
Classification: Uncertain significance for Inborn genetic diseases. Last evaluated: 2025-08-23. Review status: criteria provided, single submitter. Criteria: Ambry Variant Classification Scheme 2023. Collection method: clinical testing. Allele origin: germline.

PreventionGenetics, part of Exact Sciences
Classification: Uncertain significance for CCBE1-related condition. Last evaluated: 2024-03-29. Review status: no assertion criteria provided. Collection method: clinical testing. Allele origin: germline. Not counted in ClinVar's aggregate classification.
Comment: The CCBE1 c.601A>G variant is predicted to result in the amino acid substitution p.Thr201Ala. To our knowledge, this variant has not been reported in the literature. This variant is reported in 0.012% of alleles in individuals of African descent in gnomAD. At this time, the clinical significance of this variant is uncertain due to the absence of conclusive functional and genetic evidence.